The following is an entry in ClinVar:

ClinVar aggregate classification (germline): Uncertain significance (1 of 4 stars; one submission).

Allele frequency attached by ClinVar (database versions not stated): gnomAD 0.00002; gnomAD exomes 0.00002; ExAC 0.00003; TOPMed 0.00004.

Submission:

GeneDx
Classification: Uncertain significance. Last evaluated: 2019-12-03. Review status: criteria provided, single submitter. Criteria: GeneDx Variant Classification Process June 2021. Collection method: clinical testing. Allele origin: germline. Affected: yes.
Comment: Not observed at a significant frequency in large population cohorts (Lek et al., 2016); The majority of missense variants in this gene are considered pathogenic; In silico analysis, which includes protein predictors and evolutionary conservation, supports a deleterious effect; Has not been previously published as pathogenic or benign to our knowledge

NM_005609.4(PYGM):c.331G>A (p.Glu111Lys)

Gene: PYGM (glycogen phosphorylase, muscle associated; minus strand). Cytogenetic location: 11q13.1.
Variant type: single nucleotide variant.
Coding change: c.331G>A on transcript NM_005609.4 (MANE Select); coding-DNA position 331, G replaced by A.
Protein change: p.Glu111Lys; replaces glutamic acid 111 with lysine.
Molecular consequence: missense variant. On other transcripts: intron variant (1).
Genome position (GRCh38, 1-based): chr11:64,758,617, C>T on the plus strand (G>A on the coding strand, the complement: PYGM is on the minus strand). VCF-style: chr11-64758617-C-T. GRCh37 (hg19) VCF-style: chr11-64526089-C-T.
Other names: c.244-351G>A (NM_001164716.1); short protein forms E111K.
Identifiers: ClinVar variation 1310655 (VCV001310655.2), dbSNP rs779392056, ClinGen allele CA6080308.